The following is an entry in ClinVar:

ClinVar aggregate classification (germline): Uncertain significance (1 of 4 stars; one submission).

Conditions:
Charcot-Marie-Tooth disease axonal type 2O. Also called: CHARCOT-MARIE-TOOTH NEUROPATHY, AXONAL, TYPE 2O; CHARCOT-MARIE-TOOTH DISEASE, AXONAL, AUTOSOMAL DOMINANT, TYPE 2O; Charcot-Marie-Tooth disease, axonal, type 20; Charcot-Marie-Tooth Neuropathy Type 2O. Identifiers: Orphanet 284232, MedGen C3280220, MONDO:0013644, OMIM 614228.

Allele frequency attached by ClinVar (database versions not stated): gnomAD exomes below 0.00001.
gnomAD v4.1: 2 of 1,612,730 alleles (0.00012%); highest among the groups gnomAD compares: African/African-American, 0.0013%; no homozygotes.

Submission:

Labcorp Genetics (formerly Invitae), Labcorp
Classification: Uncertain significance for Charcot-Marie-Tooth disease axonal type 2O. Last evaluated: 2024-11-21. Review status: criteria provided, single submitter. Criteria: Invitae Variant Classification Sherloc (09022015). Collection method: clinical testing. Allele origin: germline.
Comment: This sequence change replaces histidine, which is basic and polar, with tyrosine, which is neutral and polar, at codon 4389 of the DYNC1H1 protein (p.His4389Tyr). This variant is not present in population databases (gnomAD no frequency). This variant has not been reported in the literature in individuals affected with DYNC1H1-related conditions. ClinVar contains an entry for this variant (Variation ID: 574196). Invitae Evidence Modeling of protein sequence and biophysical properties (such as structural, functional, and spatial information, amino acid conservation, physicochemical variation, residue mobility, and thermodynamic stability) indicates that this missense variant is not expected to disrupt DYNC1H1 protein function with a negative predictive value of 95%. In summary, the available evidence is currently insufficient to determine the role of this variant in disease. Therefore, it has been classified as a Variant of Uncertain Significance.

NM_001376.5(DYNC1H1):c.13165C>T (p.His4389Tyr)

Gene: DYNC1H1 (dynein cytoplasmic 1 heavy chain 1; plus strand). Cytogenetic location: 14q32.31.
Variant type: single nucleotide variant.
Coding change: c.13165C>T on transcript NM_001376.5 (MANE Select); coding-DNA position 13165, C replaced by T.
Protein change: p.His4389Tyr; replaces histidine 4389 with tyrosine.
Molecular consequence: missense variant.
Genome position (GRCh38, 1-based): chr14:102,047,975, C>T. VCF-style: chr14-102047975-C-T. GRCh37 (hg19) VCF-style: chr14-102514312-C-T.
Other names: short protein forms H4389Y.
Identifiers: ClinVar variation 574196 (VCV000574196.8), dbSNP rs1567025279, ClinGen allele CA391046554.